The following is an entry in ClinVar:

NM_001318852.2(MAPK8IP3):c.1057G>C (p.Asp353His)

Gene: MAPK8IP3 (mitogen-activated protein kinase 8 interacting protein 3; plus strand). Cytogenetic location: 16p13.3.
Variant type: single nucleotide variant.
Coding change: c.1057G>C on transcript NM_001318852.2 (MANE Select); coding-DNA position 1057, G replaced by C.
Protein change: p.Asp353His; replaces aspartic acid 353 with histidine.
Molecular consequence: missense variant.
Genome position (GRCh38, 1-based): chr16:1,748,306, G>C. VCF-style: chr16-1748306-G-C. GRCh37 (hg19) VCF-style: chr16-1798307-G-C.
Other names: c.1054G>C, p.Asp352His (NM_001040439.2, NM_015133.5, NM_033392.3); short protein forms D352H, D353H.
Identifiers: ClinVar variation 2373830 (VCV002373830.10), dbSNP rs374099237, ClinGen allele CA7816581.

ClinVar aggregate classification (germline): Uncertain significance. Review status: criteria provided, multiple submitters, no conflicts (2 of 4 stars). 2 submissions from 2 submitters: Uncertain significance (2). Last evaluated 2025-09-01.

Conditions:
Inborn genetic diseases. Identifiers: MedGen C0950123, MeSH D030342.

gnomAD v4.1: 8 of 1,613,970 alleles (0.0005%); highest among the groups gnomAD compares: Admixed American, 0.013%; no homozygotes.

Submissions (2):

CeGaT Center for Human Genetics Tuebingen
Classification: Uncertain significance. Last evaluated: 2025-09-01. Review status: criteria provided, single submitter. Criteria: CeGaT Center For Human Genetics Tuebingen Variant Classification Criteria Version 2. Collection method: clinical testing. Allele origin: germline. Affected: yes. Observed: 1 variant allele.

Ambry Genetics
Classification: Uncertain significance for Inborn genetic diseases. Last evaluated: 2022-11-09. Review status: criteria provided, single submitter. Criteria: Ambry Variant Classification Scheme 2023. Collection method: clinical testing. Allele origin: germline.
Comment: The c.1054G>C (p.D352H) alteration is located in exon 7 (coding exon 7) of the MAPK8IP3 gene. This alteration results from a G to C substitution at nucleotide position 1054, causing the aspartic acid (D) at amino acid position 352 to be replaced by a histidine (H). Based on data from gnomAD, the C allele has an overall frequency of 0.003% (7/249120) total alleles studied. The highest observed frequency was 0.02% (7/34506) of Latino alleles. This amino acid position is highly conserved in available vertebrate species. This alteration is predicted to be tolerated by in silico analysis. Based on insufficient or conflicting evidence, the clinical significance of this alteration remains unclear.